The following is an entry in ClinVar:

NM_012471.3(TRPC5):c.1390C>T (p.Arg464Cys)

Gene: TRPC5 (transient receptor potential cation channel subfamily C member 5; minus strand). Cytogenetic location: Xq23.
Variant type: single nucleotide variant.
Coding change: c.1390C>T on transcript NM_012471.3 (MANE Select); coding-DNA position 1390, C replaced by T.
Protein change: p.Arg464Cys; replaces arginine 464 with cysteine.
Molecular consequence: missense variant.
Genome position (GRCh38, 1-based): chrX:111,847,424, G>A on the plus strand (C>T on the coding strand, the complement: TRPC5 is on the minus strand). VCF-style: chrX-111847424-G-A. GRCh37 (hg19) VCF-style: chrX-111090652-G-A.
Other names: short protein forms R464C.
Identifiers: ClinVar variation 4191632 (VCV004191632.2).

ClinVar aggregate classification (germline): Uncertain significance. Review status: criteria provided, multiple submitters, no conflicts (2 of 4 stars). 2 submissions from 2 submitters: Uncertain significance (2). Last evaluated 2026-06-25.

Conditions:
TRPC5-related disorder. Also called: TRPC5-related condition.

Submissions (2):

PreventionGenetics, part of Exact Sciences
Classification: Uncertain significance for TRPC5-related condition. Last evaluated: 2026-06-25. Review status: criteria provided, single submitter. Criteria: ACMG Guidelines, 2015. Collection method: clinical testing. Allele origin: germline.
Comment: The TRPC5 c.1390C>T variant is predicted to result in the amino acid substitution p.Arg464Cys. To our knowledge, this variant has not been reported in the literature or in a large population database, indicating this variant is rare. At this time, the clinical significance of this variant is uncertain due to the absence of conclusive functional and genetic evidence.

Ambry Genetics
Classification: Uncertain significance. Last evaluated: 2025-08-27. Review status: criteria provided, single submitter. Criteria: Ambry Variant Classification Scheme 2023. Collection method: clinical testing. Allele origin: germline.